The following is an entry in ClinVar:

ClinVar aggregate classification (germline): Likely pathogenic (1 of 4 stars; one submission).

Submission:

Mayo Clinic Laboratories, Mayo Clinic
Classification: Likely pathogenic. Last evaluated: 2025-08-27. Review status: criteria provided, single submitter. Criteria: ACMG Guidelines, 2015. Collection method: clinical testing. Allele origin: germline. Observed: 1 variant allele.
Comment: PP3, PM1, PM2_supporting, PS4_moderate

Literature cited by the submitters: PubMed 22367913; PubMed 29790589.

NM_001430.5(EPAS1):c.1620C>G (p.Phe540Leu)

Gene: EPAS1 (endothelial PAS domain protein 1; plus strand). Cytogenetic location: 2p21.
Variant type: single nucleotide variant.
Coding change: c.1620C>G on transcript NM_001430.5 (MANE Select); coding-DNA position 1620, C replaced by G.
Protein change: p.Phe540Leu; replaces phenylalanine 540 with leucine.
Molecular consequence: missense variant.
Genome position (GRCh38, 1-based): chr2:46,380,292, C>G. VCF-style: chr2-46380292-C-G. GRCh37 (hg19) VCF-style: chr2-46607431-C-G.
Other names: p.Phe540Leu; short protein forms F540L.
Identifiers: ClinVar variation 4540647 (VCV004540647.1).